The following is an entry in ClinVar:

NM_000350.3(ABCA4):c.4124C>T (p.Ala1375Val)

Gene: ABCA4 (ATP binding cassette subfamily A member 4; minus strand). Cytogenetic location: 1p22.1.
Variant type: single nucleotide variant.
Coding change: c.4124C>T on transcript NM_000350.3 (MANE Select); coding-DNA position 4124, C replaced by T.
Protein change: p.Ala1375Val; replaces alanine 1375 with valine.
Molecular consequence: missense variant.
Genome position (GRCh38, 1-based): chr1:94,031,782, G>A on the plus strand (C>T on the coding strand, the complement: ABCA4 is on the minus strand). VCF-style: chr1-94031782-G-A. GRCh37 (hg19) VCF-style: chr1-94497338-G-A.
Other names: c.3902C>T, p.Ala1301Val (NM_001425324.1); short protein forms A1375V, A1301V.
Identifiers: ClinVar variation 450896 (VCV000450896.10), dbSNP rs1267585230, ClinGen allele CA341286705.

ClinVar aggregate classification (germline): Conflicting classifications of pathogenicity. Review status: criteria provided, conflicting classifications (1 of 4 stars). 4 submissions from 4 submitters: Likely pathogenic (2); Uncertain significance (2). Last evaluated 2025-01-03.

Conditions:
ABCA4-related disorder. Also called: ABCA4-related condition; ABCA4-related disorders. Identifiers: MedGen CN239167.

Allele frequency attached by ClinVar (database versions not stated): gnomAD 0.00001; TOPMed 0.00001.
gnomAD v4.1: 24 of 1,613,482 alleles (0.0015%); highest among the groups gnomAD compares: East Asian, 0.0022%; no homozygotes.

Submissions (4):

Dasa
Classification: Uncertain significance. Last evaluated: 2025-01-03. Review status: criteria provided, single submitter. Criteria: DASA Assertion Criteria. Collection method: clinical testing. Allele origin: germline.
Comment: NM_000350.3(ABCA4):c.4124C>T (p.Ala1375Val) is a missense variant that results in the substitution of alanine with valine. This variant is rare in population databases. Computational prediction algorithms are consistent with a deleterious effect. The currently available literature and clinical evidence are not sufficient to establish a definitive association between this variant and the reported condition. Therefore, this variant is classified as a variant of uncertain significance.

Blueprint Genetics
Classification: Likely pathogenic for ABCA4-related disorders. Last evaluated: 2024-05-28. Review status: criteria provided, single submitter. Criteria: ACMG Guidelines, 2015. Collection method: clinical testing. Allele origin: germline. Affected: yes. Observed: 2 variant alleles.

Labcorp Genetics (formerly Invitae), Labcorp
Classification: Uncertain significance. Last evaluated: 2022-09-06. Review status: criteria provided, single submitter. Criteria: Invitae Variant Classification Sherloc (09022015). Collection method: clinical testing. Allele origin: germline.
Comment: This sequence change replaces alanine, which is neutral and non-polar, with valine, which is neutral and non-polar, at codon 1375 of the ABCA4 protein (p.Ala1375Val). This variant is present in population databases (no rsID available, gnomAD 0.003%). This variant has not been reported in the literature in individuals affected with ABCA4-related conditions. ClinVar contains an entry for this variant (Variation ID: 450896). Advanced modeling of protein sequence and biophysical properties (such as structural, functional, and spatial information, amino acid conservation, physicochemical variation, residue mobility, and thermodynamic stability) performed at Invitae indicates that this missense variant is expected to disrupt ABCA4 protein function. In summary, the available evidence is currently insufficient to determine the role of this variant in disease. Therefore, it has been classified as a Variant of Uncertain Significance.

GeneDx
Classification: Likely pathogenic. Last evaluated: 2018-12-03. Review status: criteria provided, single submitter. Criteria: GeneDx Variant Classification (06012015). Collection method: clinical testing. Allele origin: germline. Affected: yes.
Comment: The A1375V variant in the ABCA4 gene has not been reported previously as a pathogenic variant, nor as a benign variant, to our knowledge. The A1375V variant is not observed at a significant frequency in large population cohorts (Lek et al., 2016). The A1375V variant is a conservative amino acid substitution, which is not likely to impact secondary protein structure as these residues share similar properties. However, in-silico analyses, including protein predictors and evolutionary conservation, support a deleterious effect. We interpret A1375V as a likely pathogenic variant.